The following is an entry in ClinVar:

ClinVar aggregate classification (germline): Uncertain significance (1 of 4 stars; one submission).

Conditions:
Epilepsy, familial adult myoclonic, 5 (EPEO5). Also called: CORTICAL MYOCLONIC TREMOR WITH EPILEPSY, FAMILIAL, 5. Identifiers: Orphanet 86814, MedGen C3809374, MONDO:0014167, OMIM 615400.

Allele frequency attached by ClinVar (database versions not stated): TOPMed below 0.00001; gnomAD exomes 0.00001.
gnomAD v4.1: 8 of 1,613,654 alleles (0.0005%); highest among the groups gnomAD compares: Non-Finnish European, 0.00059%; no homozygotes.

Submission:

Labcorp Genetics (formerly Invitae), Labcorp
Classification: Uncertain significance for Epilepsy, familial adult myoclonic, 5. Last evaluated: 2021-09-02. Review status: criteria provided, single submitter. Criteria: Invitae Variant Classification Sherloc (09022015). Collection method: clinical testing. Allele origin: germline.
Comment: In summary, the available evidence is currently insufficient to determine the role of this variant in disease. Therefore, it has been classified as a Variant of Uncertain Significance. Variants that disrupt the consensus splice site are a relatively common cause of aberrant splicing (PMID: 17576681, 9536098). Algorithms developed to predict the effect of sequence changes on RNA splicing suggest that this variant may disrupt the consensus splice site. This variant has not been reported in the literature in individuals affected with CNTN2-related conditions. This variant is not present in population databases (ExAC no frequency). This sequence change falls in intron 22 of the CNTN2 gene. It does not directly change the encoded amino acid sequence of the CNTN2 protein. It affects a nucleotide within the consensus splice site of the intron.

Literature cited by the submitters: PubMed 17576681; PubMed 9536098.

NM_005076.5(CNTN2):c.3013+4C>G

Genes: CNTN2 (contactin 2; plus strand), LOC126805985 (MED14-independent group 3 enhancer GRCh37_chr1:205041546-205042745; plus strand). Cytogenetic location: 1q32.1.
Variant type: single nucleotide variant.
Coding change: c.3013+4C>G on transcript NM_005076.5 (MANE Select); 4 bases into the intron after coding-DNA position 3013, C replaced by G.
Molecular consequence: intron variant.
Genome position (GRCh38, 1-based): chr1:205,073,240, C>G. VCF-style: chr1-205073240-C-G. GRCh37 (hg19) VCF-style: chr1-205042368-C-G.
Other names: c.3013+4C>G (NM_001346083.2).
Identifiers: ClinVar variation 1379304 (VCV001379304.6), dbSNP rs1654687741, ClinGen allele CA2482428981.
Genomic context (GRCh38, chr1:205,073,240, plus strand): 5'-CCACAGGGCCCGGAGGGGATGGGATCCCTGCAGAAGTCCACATCGTGAGGAATGGAGGTG[C>G]TGCTCCTCCCCTACCCTTATCCCCTCGAGAGATTCAGGATCCACCCAGATACCTGAGAGG-3'